The following is an entry in ClinVar:

ClinVar aggregate classification (germline): Pathogenic (1 of 4 stars; one submission).

Conditions:
Glycogen storage disease type III (GSD3). Also called: FORBES DISEASE; Cori disease. Identifiers: Orphanet 366, MedGen C0017922, MONDO:0009291, OMIM 232400.

Submission:

Labcorp Genetics (formerly Invitae), Labcorp
Classification: Pathogenic for Glycogen storage disease type III. Last evaluated: 2023-09-21. Review status: criteria provided, single submitter. Criteria: Invitae Variant Classification Sherloc (09022015). Collection method: clinical testing. Allele origin: germline.
Comment: This sequence change creates a premature translational stop signal (p.Ile275Metfs*7) in the AGL gene. It is expected to result in an absent or disrupted protein product. Loss-of-function variants in AGL are known to be pathogenic (PMID: 19299494). This variant is not present in population databases (gnomAD no frequency). This variant has not been reported in the literature in individuals affected with AGL-related conditions. ClinVar contains an entry for this variant (Variation ID: 1359613). For these reasons, this variant has been classified as Pathogenic.

Literature cited by the submitters: PubMed 19299494.

NM_000642.3(AGL):c.825del (p.Ile275fs)

Gene: AGL (amylo-alpha-1,6-glucosidase and 4-alpha-glucanotransferase; plus strand). Cytogenetic location: 1p21.2.
Variant type: Deletion.
Coding change: c.825del on transcript NM_000642.3 (MANE Select); coding-DNA position 825, one base deleted (T; older notation c.825delT).
Protein change: p.Ile275fs; shifts the reading frame from isoleucine 275.
Molecular consequence: frameshift variant.
Genome position (GRCh38, 1-based): chr1:99,870,560, T deleted; the last of 2 consecutive T bases (chr1:99,870,559-99,870,560); deleting either gives the same sequence. VCF-style (leftmost placement, unchanged base first): chr1-99870558-AT-A. GRCh37 (hg19) VCF-style: chr1-100336114-AT-A.
Other names: c.825delT, p.Ile275Metfs (NM_000028.3, NM_000643.3, NM_000644.3 and 3 more transcripts); c.777delT, p.Ile259Metfs (NM_000646.3); c.621delT, p.Ile207Metfs (NM_001425328.1, NM_001425329.1); c.447delT, p.Ile149Metfs (NM_001425332.1); short protein forms I259fs, I275fs.
Identifiers: ClinVar variation 1359613 (VCV001359613.6), dbSNP rs2101112572, ClinGen allele CA2573132624.